The following is an entry in ClinVar:

NM_001165963.4(SCN1A):c.3551-1_3551delinsCT

Genes: SCN1A (sodium voltage-gated channel alpha subunit 1; minus strand), LOC102724058 (uncharacterized LOC102724058; plus strand). Cytogenetic location: 2q24.3.
Variant type: Indel.
Coding change: c.3551-1_3551delinsCT on transcript NM_001165963.4 (MANE Select); the canonical splice acceptor site of the intron before coding-DNA position 3551 through coding-DNA position 3551, GG replaced by CT.
Molecular consequence: splice acceptor variant.
Genome position (GRCh38, 1-based): chr2:166,013,898-166,013,899, CC replaced by AG on the plus strand (GG replaced by CT on the coding strand, the reverse complement: SCN1A is on the minus strand). VCF-style: chr2-166013898-CC-AG. GRCh37 (hg19) VCF-style: chr2-166870408-CC-AG.
Other names: c.3518-1_3518delinsCT (NM_001353949.2, NM_001353950.2, NM_001353951.2 and 2 more transcripts); c.3467-1_3467delinsCT (NM_001353958.2, NM_001353957.2, NM_001165964.3); c.3551-1_3551delinsCT (NM_001202435.3, NM_001353948.2); c.3515-1_3515delinsCT (NM_001353955.2, NM_001353954.2); c.3464-1_3464delinsCT (NM_001353960.2); c.1109-1_1109delinsCT (NM_001353961.2).
Identifiers: ClinVar variation 1066322 (VCV001066322.8), dbSNP rs2105611998, ClinGen allele CA2499215178.

ClinVar aggregate classification (germline): Likely pathogenic (1 of 4 stars; one submission).

Conditions:
Early-infantile DEE. Also called: Ohtahara syndrome; Early infantile epileptic encephalopathy with suppression bursts; Early infantile epileptic encephalopathy. Identifiers: Orphanet 1934, MedGen C0393706, MONDO:0800491.

Submission:

Labcorp Genetics (formerly Invitae), Labcorp
Classification: Likely pathogenic for Early-infantile DEE. Last evaluated: 2020-08-19. Review status: criteria provided, single submitter. Criteria: Invitae Variant Classification Sherloc (09022015). Collection method: clinical testing. Allele origin: germline.
Comment: This sequence change affects an acceptor splice site in intron 17 of the SCN1A gene. It is expected to disrupt RNA splicing and likely results in an absent or disrupted protein product. The frequency data for this variant in the population databases is not available, as this variant may be reported as separate entries in the ExAC database. This variant has not been reported in the literature in individuals with SCN1A-related conditions. Algorithms developed to predict the effect of sequence changes on RNA splicing suggest that this variant may disrupt the consensus splice site, but this prediction has not been confirmed by published transcriptional studies. Donor and acceptor splice site variants typically lead to a loss of protein function (PMID: 16199547), and loss-of-function variants in SCN1A are known to be pathogenic (PMID: 17347258, 18930999). In summary, the currently available evidence indicates that the variant is pathogenic, but additional data are needed to prove that conclusively. Therefore, this variant has been classified as Likely Pathogenic.

Literature cited by the submitters: PubMed 16199547; PubMed 17347258; PubMed 18930999.